The following is an entry in ClinVar:

ClinVar aggregate classification (germline): Uncertain significance. Review status: criteria provided, multiple submitters, no conflicts (2 of 4 stars). 2 submissions from 2 submitters: Uncertain significance (2). Last evaluated 2025-06-07.

Submissions (2):

Ambry Genetics
Classification: Uncertain significance. Last evaluated: 2025-06-07. Review status: criteria provided, single submitter. Criteria: Ambry Variant Classification Scheme 2023. Collection method: clinical testing. Allele origin: germline.

Labcorp Genetics (formerly Invitae), Labcorp
Classification: Uncertain significance. Last evaluated: 2024-10-21. Review status: criteria provided, single submitter. Criteria: Invitae Variant Classification Sherloc (09022015). Collection method: clinical testing. Allele origin: germline.
Comment: This sequence change replaces lysine, which is basic and polar, with glutamic acid, which is acidic and polar, at codon 377 of the SUCO protein (p.Lys377Glu). This variant is not present in population databases (gnomAD no frequency). This variant has not been reported in the literature in individuals affected with SUCO-related conditions. An algorithm developed to predict the effect of missense changes on protein structure and function (PolyPhen-2) suggests that this variant is likely to be disruptive. In summary, the available evidence is currently insufficient to determine the role of this variant in disease. Therefore, it has been classified as a Variant of Uncertain Significance.

NM_014283.5(SUCO):c.1129A>G (p.Lys377Glu)

Gene: SUCO (SUN domain containing ossification factor; plus strand). Cytogenetic location: 1q24.3.
Variant type: single nucleotide variant.
Coding change: c.1129A>G on transcript NM_014283.5 (MANE Select); coding-DNA position 1129, A replaced by G.
Protein change: p.Lys377Glu; replaces lysine 377 with glutamic acid.
Molecular consequence: missense variant. On other transcripts: 5 prime UTR variant (1).
Genome position (GRCh38, 1-based): chr1:172,573,970, A>G. VCF-style: chr1-172573970-A-G. GRCh37 (hg19) VCF-style: chr1-172543110-A-G.
Other names: c.1018A>G, p.Lys340Glu (NM_001282750.2); c.-401A>G (NM_001282751.2); c.1603A>G, p.Lys535Glu (NM_016227.4); c.1129A>G (NM_014283.3); short protein forms K377E, K340E, K535E.
Identifiers: ClinVar variation 3723449 (VCV003723449.3).